The following is an entry in ClinVar:

ClinVar aggregate classification (germline): Benign. Review status: criteria provided, multiple submitters, no conflicts (2 of 4 stars). 2 submissions from 2 submitters: Benign (2). Last evaluated 2018-06-14.

Allele frequency attached by ClinVar (database versions not stated): 1000 Genomes Project 30x 0.33963; 1000 Genomes Project 0.34085; TOPMed 0.40099; gnomAD 0.43049 and 0.43578; gnomAD exomes 0.45891.

Submissions (2):

GeneDx
Classification: Benign. Last evaluated: 2018-06-14. Review status: criteria provided, single submitter. Criteria: GeneDx Variant Classification (06012015). Collection method: clinical testing. Allele origin: germline. Affected: yes.
Comment: This variant is considered likely benign or benign based on one or more of the following criteria: it is a conservative change, it occurs at a poorly conserved position in the protein, it is predicted to be benign by multiple in silico algorithms, and/or has population frequency not consistent with disease.

Breakthrough Genomics
Classification: Benign. Review status: criteria provided, single submitter. Criteria: ACMG Guidelines, 2015. Collection method: not provided. Allele origin: germline. Inheritance: Autosomal dominant inheritance. Affected: yes.

NM_001005373.4(LRSAM1):c.72+73G>T

Gene: LRSAM1 (leucine rich repeat and sterile alpha motif containing 1; plus strand). Cytogenetic location: 9q33.3.
Variant type: single nucleotide variant.
Coding change: c.72+73G>T on transcript NM_001005373.4 (MANE Select); 73 bases into the intron after coding-DNA position 72, G replaced by T.
Molecular consequence: intron variant.
Genome position (GRCh38, 1-based): chr9:127,454,672, G>T. VCF-style: chr9-127454672-G-T. GRCh37 (hg19) VCF-style: chr9-130216951-G-T.
Other names: c.72+73G>T (NM_138361.5, NM_001384142.1, NM_001384143.1 and 2 more transcripts); c.-713+73G>T (NM_001384144.1).
Identifiers: ClinVar variation 670536 (VCV000670536.2), dbSNP rs2244218, ClinGen allele CA13000670.
Genomic context (GRCh38, chr9:127,454,672, plus strand): 5'-GGGTTTCCTCTAACTCTATCCCATCTCCTCCTCGGTCCCCATGGAGTAGGCCTCCGCACT[G>T]CCCCCAACAAGCCGTGCTCCTTCCCATCTGCCTCCCCCACCCACAGAAGAAATATTTGAC-3'